The following is an entry in ClinVar:

ClinVar aggregate classification (germline): Uncertain significance (0 of 4 stars; one submission).

Conditions:
LIM2-related disorder. Also called: LIM2-related condition.

Submission:

PreventionGenetics, part of Exact Sciences
Classification: Uncertain significance for LIM2-related condition. Last evaluated: 2024-08-10. Review status: no assertion criteria provided. Collection method: clinical testing. Allele origin: germline.
Comment: The LIM2 c.16G>T variant is predicted to result in the amino acid substitution p.Gly6Cys. To our knowledge, this variant has not been reported in the literature. This variant is reported in 0.00088% of alleles in individuals of European (Non-Finnish) descent in gnomAD. At this time, the clinical significance of this variant is uncertain due to the absence of conclusive functional and genetic evidence.

NM_001161748.2(LIM2):c.16G>T (p.Gly6Cys)

Gene: LIM2 (lens intrinsic membrane protein 2; minus strand). Cytogenetic location: 19q13.41.
Variant type: single nucleotide variant.
Coding change: c.16G>T on transcript NM_001161748.2 (MANE Select); coding-DNA position 16, G replaced by T.
Protein change: p.Gly6Cys; replaces glycine 6 with cysteine.
Molecular consequence: missense variant.
Genome position (GRCh38, 1-based): chr19:51,387,428, C>A on the plus strand (G>T on the coding strand, the complement: LIM2 is on the minus strand). VCF-style: chr19-51387428-C-A. GRCh37 (hg19) VCF-style: chr19-51890682-C-A.
Other names: c.16G>T, p.Gly6Cys (NM_030657.4); short protein forms G6C.
Identifiers: ClinVar variation 3346824 (VCV003346824.1).